The following is an entry in ClinVar:

ClinVar aggregate classification (germline): Conflicting classifications of pathogenicity. Review status: criteria provided, conflicting classifications (1 of 4 stars). 3 submissions from 3 submitters: Uncertain significance (2); Likely benign (1). Last evaluated 2025-08-21.

Conditions:
Heterotopia, periventricular, X-linked dominant (PVNH1). Also called: PERIVENTRICULAR NODULAR HETEROTOPIA 4; HETEROTOPIA, PERIVENTRICULAR, 1; PERIVENTRICULAR NODULAR HETEROTOPIA 1; X-linked periventricular heterotopia. Identifiers: Orphanet 2149, Orphanet 82004, MedGen C1848213, MONDO:0010233, OMIM 300049.
Oto-palato-digital syndrome, type II (OPD2). Also called: Otopalatodigital Syndrome, Type II; Otopalatodigital Syndrome Type 2 (FLNA-OPD2); FACIOPALATOOSSEOUS SYNDROME; OPD II SYNDROME. Identifiers: Orphanet 669, Orphanet 90652, MedGen C1844696, MONDO:0010571, OMIM 304120.
Frontometaphyseal dysplasia (FMD1). Identifiers: Orphanet 1826, MedGen C0265293, MONDO:0015942.
Melnick-Needles syndrome (MNS). Also called: Melnick-Needles Syndrome (FLNA-MNS); MELNICK-NEEDLES OSTEODYSPLASTY; OSTEODYSPLASTY OF MELNICK AND NEEDLES. Identifiers: Orphanet 2484, MedGen C0025237, MONDO:0010650, OMIM 309350.
Familial thoracic aortic aneurysm and aortic dissection (TAAD). Also called: Thoracic aortic aneurysms and dissections. Identifiers: Orphanet 91387, MedGen C4707243, MONDO:0019625.

Allele frequency attached by ClinVar (database versions not stated): ExAC 0.00001; gnomAD 0.00001; gnomAD exomes 0.00001; TOPMed 0.00003.
gnomAD v4.1: 6 of 1,210,313 alleles (0.0005%); highest among the groups gnomAD compares: Admixed American, 0.0044%; no homozygotes.

Submissions (3):

Labcorp Genetics (formerly Invitae), Labcorp
Classification: Likely benign for Oto-palato-digital syndrome, type II; Heterotopia, periventricular, X-linked dominant; Frontometaphyseal dysplasia; Melnick-Needles syndrome. Last evaluated: 2025-08-21. Review status: criteria provided, single submitter. Criteria: Invitae Variant Classification Sherloc (09022015). Collection method: clinical testing. Allele origin: germline.

GeneDx
Classification: Uncertain significance. Last evaluated: 2022-05-11. Review status: criteria provided, single submitter. Criteria: GeneDx Variant Classification Process June 2021. Collection method: clinical testing. Allele origin: germline. Affected: yes.
Comment: In silico analysis supports that this missense variant has a deleterious effect on protein structure/function; Has not been previously published as pathogenic or benign to our knowledge

Ambry Genetics
Classification: Uncertain significance for Familial thoracic aortic aneurysm and aortic dissection. Last evaluated: 2016-12-27. Review status: criteria provided, single submitter. Criteria: Ambry Variant Classification Scheme 2023. Collection method: clinical testing. Allele origin: germline.
Comment: The p.N831S variant (also known as c.2492A>G), located in coding exon 16 of the FLNA gene, results from an A to G substitution at nucleotide position 2492. The asparagine at codon 831 is replaced by serine, an amino acid with highly similar properties. This amino acid position is highly conserved in available vertebrate species. In addition, this alteration is predicted to be tolerated by in silico analysis. Since supporting evidence is limited at this time, the clinical significance of this alteration remains unclear.

NM_001110556.2(FLNA):c.2492A>G (p.Asn831Ser)

Gene: FLNA (filamin A; minus strand). Cytogenetic location: Xq28.
Variant type: single nucleotide variant.
Coding change: c.2492A>G on transcript NM_001110556.2 (MANE Select); coding-DNA position 2492, A replaced by G.
Protein change: p.Asn831Ser; replaces asparagine 831 with serine.
Molecular consequence: missense variant.
Genome position (GRCh38, 1-based): chrX:154,362,491, T>C on the plus strand (A>G on the coding strand, the complement: FLNA is on the minus strand). VCF-style: chrX-154362491-T-C. GRCh37 (hg19) VCF-style: chrX-153590859-T-C.
Other names: c.2492A>G, p.Asn831Ser (NM_001456.4); short protein forms N831S.
Identifiers: ClinVar variation 405454 (VCV000405454.15), dbSNP rs781846227, ClinGen allele CA10560912.
Genomic context (GRCh38, chrX:154,362,491, plus strand): 5'-AGGACCATAATGGTGTAGCTGCCAGCCCCCCGGGGCGTGTACTTGACCGTGAAGGTGTCA[T>C]TGTCATTGCGGATGATGTCGAAGTCGATGTCAGCTTCGGCGGGGCCTACCACTCCAGGGG-3'
Protein context (NP_001104026.1, residues 821-841): DIDFDIIRND[Asn831Ser]DTFTVKYTPR